The following is an entry in ClinVar:

NM_032217.5(ANKRD17):c.5364G>C (p.Leu1788Phe)

Gene: ANKRD17 (ankyrin repeat domain 17; minus strand). Cytogenetic location: 4q13.3.
Variant type: single nucleotide variant.
Coding change: c.5364G>C on transcript NM_032217.5 (MANE Select); coding-DNA position 5364, G replaced by C.
Protein change: p.Leu1788Phe; replaces leucine 1788 with phenylalanine.
Molecular consequence: missense variant.
Genome position (GRCh38, 1-based): chr4:73,092,264, C>G on the plus strand (G>C on the coding strand, the complement: ANKRD17 is on the minus strand). VCF-style: chr4-73092264-C-G. GRCh37 (hg19) VCF-style: chr4-73957981-C-G.
Other names: c.5025G>C, p.Leu1675Phe (NM_001286771.3); c.5361G>C, p.Leu1787Phe (NM_015574.2); c.4611G>C, p.Leu1537Phe (NM_198889.3); short protein forms L1537F, L1675F, L1787F, L1788F.
Identifiers: ClinVar variation 4537703 (VCV004537703.1).
Genomic context (GRCh38, chr4:73,092,264, plus strand): 5'-ACGATTCTTTGGAATAAGTTCATCAATTTCTTTGTCTGGATCCTTGATCAAAGCATTAAT[C>G]AATTGAGTTGCTTGTCTTGTTGATTCAGTGCCACCCCTATAAATTGAGAAAAAAAAATTA-3'
Protein context (NP_115593.3, residues 1778-1798): GTESTRQATQ[Leu1788Phe]INALIKDPDK

ClinVar aggregate classification (germline): Uncertain significance (1 of 4 stars; one submission).

gnomAD v4.1: 1 of 1,613,658 alleles (0.000062%); highest among the groups gnomAD compares: African/African-American, 0.0013%; no homozygotes.

Submission:

GeneDx
Classification: Uncertain significance. Last evaluated: 2025-06-11. Review status: criteria provided, single submitter. Criteria: GeneDx Variant Classification Process June 2021. Collection method: clinical testing. Allele origin: germline. Affected: yes.
Comment: Not observed at significant frequency in large population cohorts (gnomAD); In silico analysis supports that this missense variant has a deleterious effect on protein structure/function; Has not been previously published as pathogenic or benign to our knowledge